The following is an entry in ClinVar:

NM_018206.6(VPS35):c.1291_1292delinsTT (p.Glu431Leu)

Gene: VPS35 (VPS35 retromer complex component; minus strand). Cytogenetic location: 16q11.2.
Variant type: Indel.
Coding change: c.1291_1292delinsTT on transcript NM_018206.6 (MANE Select); coding-DNA positions 1291 to 1292, GA replaced by TT.
Protein change: p.Glu431Leu; replaces glutamic acid 431 with leucine.
Molecular consequence: missense variant.
Genome position (GRCh38, 1-based): chr16:46,672,341-46,672,342, TC replaced by AA on the plus strand (GA replaced by TT on the coding strand, the reverse complement: VPS35 is on the minus strand). VCF-style: chr16-46672341-TC-AA. GRCh37 (hg19) VCF-style: chr16-46706253-TC-AA.
Other names: c.1291_1292delinsTT (NM_018206.4); short protein forms E431L.
Identifiers: ClinVar variation 2973547 (VCV002973547.4), dbSNP rs2548880053, ClinGen allele CA2740093307.

ClinVar aggregate classification (germline): Uncertain significance. Review status: criteria provided, multiple submitters, no conflicts (2 of 4 stars). 2 submissions from 2 submitters: Uncertain significance (2). Last evaluated 2024-04-15.

Conditions:
Parkinson disease 17 (PARK17). Also called: VPS35-Related Parkinson Disease. Identifiers: Orphanet 411602, MedGen C3280133, MONDO:0013625, OMIM 614203.

Submissions (2):

GeneDx
Classification: Uncertain significance. Last evaluated: 2024-04-15. Review status: criteria provided, single submitter. Criteria: GeneDx Variant Classification Process June 2021. Collection method: clinical testing. Allele origin: germline. Affected: yes.
Comment: Has not been previously published as pathogenic or benign to our knowledge; In silico analysis does not support a benign or deleterious effect of this variant on protein structure/function

Labcorp Genetics (formerly Invitae), Labcorp
Classification: Uncertain significance for Parkinson disease 17. Last evaluated: 2023-10-20. Review status: criteria provided, single submitter. Criteria: Invitae Variant Classification Sherloc (09022015). Collection method: clinical testing. Allele origin: germline.
Comment: This sequence change replaces glutamic acid, which is acidic and polar, with leucine, which is neutral and non-polar, at codon 431 of the VPS35 protein (p.Glu431Leu). The frequency data for this variant in the population databases is considered unreliable, as metrics indicate poor data quality at this position in the gnomAD database. This variant has not been reported in the literature in individuals affected with VPS35-related conditions. An algorithm developed to predict the effect of missense changes on protein structure and function (PolyPhen-2) suggests that this variant is likely to be tolerated. In summary, the available evidence is currently insufficient to determine the role of this variant in disease. Therefore, it has been classified as a Variant of Uncertain Significance.